The following is an entry in ClinVar:

ClinVar aggregate classification (germline): Benign/Likely benign. Review status: criteria provided, multiple submitters, no conflicts (2 of 4 stars). 5 submissions from 5 submitters: Benign (3); Likely benign (2). Last evaluated 2026-10-01.

Conditions:
COQ8A-related disorder. Also called: COQ8A-related condition.

Allele frequency attached by ClinVar (database versions not stated): gnomAD below 0.00001 and 0.00027; TOPMed 0.00005; ESP Exome Variant Server 0.00008; gnomAD exomes 0.00053 and 0.00134; 1000 Genomes Project 30x 0.00156; 1000 Genomes Project 0.00180; ExAC 0.00479.
gnomAD v4.1: 789 of 1,567,260 alleles (0.05%); highest among the groups gnomAD compares: South Asian, 0.83%; 12 homozygotes.

Submissions (5):

CeGaT Center for Human Genetics Tuebingen
Classification: Likely benign. Last evaluated: 2026-10-01. Review status: criteria provided, single submitter. Criteria: CeGaT Center For Human Genetics Tuebingen Variant Classification Criteria Version 2. Collection method: clinical testing. Allele origin: germline. Affected: yes. Observed: 5 variant alleles.
Comment: COQ8A: BS2

Labcorp Genetics (formerly Invitae), Labcorp
Classification: Benign. Last evaluated: 2026-01-14. Review status: criteria provided, single submitter. Criteria: Invitae Variant Classification Sherloc (09022015). Collection method: clinical testing. Allele origin: germline.

PreventionGenetics, part of Exact Sciences
Classification: Likely benign for COQ8A-related condition. Last evaluated: 2025-09-03. Review status: criteria provided, single submitter. Criteria: ACMG Guidelines, 2015. Collection method: clinical testing. Allele origin: germline.
Comment: This variant is classified as likely benign based on ACMG/AMP sequence variant interpretation guidelines (Richards et al. 2015 PMID: 25741868, with internal and published modifications).

GeneDx
Classification: Benign. Last evaluated: 2021-03-16. Review status: criteria provided, single submitter. Criteria: GeneDx Variant Classification Process June 2021. Collection method: clinical testing. Allele origin: germline. Affected: yes.

Athena Diagnostics
Classification: Benign. Last evaluated: 2019-04-12. Review status: criteria provided, single submitter. Criteria: Athena Diagnostics Criteria. Collection method: clinical testing. Allele origin: germline.

NM_020247.5(COQ8A):c.697G>A (p.Ala233Thr)

Gene: COQ8A (coenzyme Q8A; plus strand). Cytogenetic location: 1q42.13.
Variant type: single nucleotide variant.
Coding change: c.697G>A on transcript NM_020247.5 (MANE Select); coding-DNA position 697, G replaced by A.
Protein change: p.Ala233Thr; replaces alanine 233 with threonine.
Molecular consequence: missense variant.
Genome position (GRCh38, 1-based): chr1:226,977,490, G>A. VCF-style: chr1-226977490-G-A. GRCh37 (hg19) VCF-style: chr1-227165191-G-A.
Other names: p.A233T:GCC>ACC; short protein forms A233T.
Identifiers: ClinVar variation 214033 (VCV000214033.41), dbSNP rs376462712, ClinGen allele CA322821.
Genomic context (GRCh38, chr1:226,977,490, plus strand): 5'-CGCCCCCTCCTCCTTGCAGGTCTGGCCGTGGGCCTGGGCTTCGGGGCACTGGCAGAGGTC[G>A]CCAAGAAGAGCCTGCGCTCCGAGGACCCCTCAGGTGAGCCGGGCCCTTCAGTGGGAGGGG-3'
Protein context (NP_064632.2, residues 223-243): GLGFGALAEV[Ala233Thr]KKSLRSEDPS